The following is an entry in ClinVar:

NM_000748.3(CHRNB2):c.658A>C (p.Thr220Pro)

Gene: CHRNB2 (cholinergic receptor nicotinic beta 2 subunit; plus strand). Cytogenetic location: 1q21.3.
Variant type: single nucleotide variant.
Coding change: c.658A>C on transcript NM_000748.3 (MANE Select); coding-DNA position 658, A replaced by C.
Protein change: p.Thr220Pro; replaces threonine 220 with proline.
Molecular consequence: missense variant.
Genome position (GRCh38, 1-based): chr1:154,571,481, A>C. VCF-style: chr1-154571481-A-C. GRCh37 (hg19) VCF-style: chr1-154543957-A-C.
Other names: c.658A>C (NM_000748.2); short protein forms T220P.
Identifiers: ClinVar variation 1425157 (VCV001425157.8), dbSNP rs374183227, ClinGen allele CA1130761.

ClinVar aggregate classification (germline): Uncertain significance. Review status: criteria provided, multiple submitters, no conflicts (2 of 4 stars). 2 submissions from 2 submitters: Uncertain significance (2). Last evaluated 2024-07-06.

Conditions:
Familial sleep-related hypermotor epilepsy. Also called: Autosomal Dominant Sleep-Related Hypermotor (Hyperkinetic) Epilepsy. Identifiers: Orphanet 98784, MedGen C3696898, MONDO:0000030.

Allele frequency attached by ClinVar (database versions not stated): TOPMed 0.00001; gnomAD 0.00001; ESP Exome Variant Server 0.00008; gnomAD exomes 0.00001; ExAC 0.00002.
gnomAD v4.1: 46 of 1,613,882 alleles (0.0029%); highest among the groups gnomAD compares: Non-Finnish European, 0.0035%; no homozygotes.

Submissions (2):

Labcorp Genetics (formerly Invitae), Labcorp
Classification: Uncertain significance. Last evaluated: 2024-07-06. Review status: criteria provided, single submitter. Criteria: Invitae Variant Classification Sherloc (09022015). Collection method: clinical testing. Allele origin: germline.
Comment: This sequence change replaces threonine, which is neutral and polar, with proline, which is neutral and non-polar, at codon 220 of the CHRNB2 protein (p.Thr220Pro). This variant is present in population databases (rs374183227, gnomAD 0.004%). This variant has not been reported in the literature in individuals affected with CHRNB2-related conditions. ClinVar contains an entry for this variant (Variation ID: 1425157). Advanced modeling of protein sequence and biophysical properties (such as structural, functional, and spatial information, amino acid conservation, physicochemical variation, residue mobility, and thermodynamic stability) performed at Invitae indicates that this missense variant is not expected to disrupt CHRNB2 protein function with a negative predictive value of 80%. In summary, the available evidence is currently insufficient to determine the role of this variant in disease. Therefore, it has been classified as a Variant of Uncertain Significance.

GeneDx
Classification: Uncertain significance. Last evaluated: 2023-03-24. Review status: criteria provided, single submitter. Criteria: GeneDx Variant Classification Process June 2021. Collection method: clinical testing. Allele origin: germline. Affected: yes.
Comment: Not observed at significant frequency in large population cohorts (gnomAD); In silico analysis supports that this missense variant has a deleterious effect on protein structure/function; Has not been previously published as pathogenic or benign to our knowledge